The following is an entry in ClinVar:

ClinVar aggregate classification (germline): Conflicting classifications of pathogenicity. Review status: criteria provided, conflicting classifications (1 of 4 stars). 2 submissions from 2 submitters: Uncertain significance (1); Benign (1). Last evaluated 2024-03-10.

Conditions:
Adams-Oliver syndrome 5 (AOS5). Identifiers: Orphanet 974, MedGen C4014970, MONDO:0014459, OMIM 616028.
Familial thoracic aortic aneurysm and aortic dissection (TAAD). Also called: Thoracic aortic aneurysms and dissections. Identifiers: Orphanet 91387, MedGen C4707243, MONDO:0019625.

Allele frequency attached by ClinVar (database versions not stated): gnomAD exomes below 0.00001; TOPMed 0.00001.
gnomAD v4.1: 2 of 1,612,784 alleles (0.00012%); highest among the groups gnomAD compares: Admixed American, 0.0033%; no homozygotes.

Submissions (2):

Ambry Genetics
Classification: Uncertain significance for Familial thoracic aortic aneurysm and aortic dissection. Last evaluated: 2024-03-10. Review status: criteria provided, single submitter. Criteria: Ambry Variant Classification Scheme 2023. Collection method: clinical testing. Allele origin: germline.
Comment: The p.G2188V variant (also known as c.6563G>T), located in coding exon 34 of the NOTCH1 gene, results from a G to T substitution at nucleotide position 6563. The glycine at codon 2188 is replaced by valine, an amino acid with dissimilar properties. This amino acid position is conserved. In addition, this alteration is predicted to be tolerated by in silico analysis. Based on the available evidence, the clinical significance of this alteration remains unclear.

Labcorp Genetics (formerly Invitae), Labcorp
Classification: Benign for Adams-Oliver syndrome 5. Last evaluated: 2023-07-02. Review status: criteria provided, single submitter. Criteria: Invitae Variant Classification Sherloc (09022015). Collection method: clinical testing. Allele origin: germline.

NM_017617.5(NOTCH1):c.6563G>T (p.Gly2188Val)

Gene: NOTCH1 (notch receptor 1; minus strand). Cytogenetic location: 9q34.3.
Variant type: single nucleotide variant.
Coding change: c.6563G>T on transcript NM_017617.5 (MANE Select); coding-DNA position 6563, G replaced by T.
Protein change: p.Gly2188Val; replaces glycine 2188 with valine.
Molecular consequence: missense variant.
Genome position (GRCh38, 1-based): chr9:136,497,176, C>A on the plus strand (G>T on the coding strand, the complement: NOTCH1 is on the minus strand). VCF-style: chr9-136497176-C-A. GRCh37 (hg19) VCF-style: chr9-139391628-C-A.
Other names: c.6563G>T (NM_017617.3); short protein forms G2188V.
Identifiers: ClinVar variation 2863603 (VCV002863603.4), dbSNP rs1321766637, ClinGen allele CA375631244.
Genomic context (GRCh38, chr9:136,497,176, plus strand): 5'-CCATGGGGTGACTCCAGGGAGTCCACGGGCGAGAGCATGCCGGAGCTGTCCAGCAGGCAG[C>A]CCTTGCCGTCCTGGGACTTCTTCCTCCGTGCCTTGAGGTCCTTGGCCTCCTTGCTTCCAC-3'
Protein context (NP_060087.3, residues 2178-2198): ARRKKSQDGK[Gly2188Val]CLLDSSGMLS